The following is an entry in ClinVar:

ClinVar aggregate classification (germline): Uncertain significance (1 of 4 stars; one submission).

Submission:

Ambry Genetics
Classification: Uncertain significance. Last evaluated: 2026-03-28. Review status: criteria provided, single submitter. Criteria: Ambry Variant Classification Scheme 2023. Collection method: clinical testing. Allele origin: germline.
Comment: The p.V824I variant (also known as c.2470G>A), located in coding exon 24 of the NEBL gene, results from a G to A substitution at nucleotide position 2470. The valine at codon 824 is replaced by isoleucine, an amino acid with highly similar properties. This amino acid position is conserved. In addition, this alteration is predicted to be tolerated by in silico analysis. Based on the available evidence, the clinical significance of this variant remains unclear.

NM_006393.3(NEBL):c.2470G>A (p.Val824Ile)

Gene: NEBL (nebulette; minus strand). Cytogenetic location: 10p12.31.
Variant type: single nucleotide variant.
Coding change: c.2470G>A on transcript NM_006393.3 (MANE Select); coding-DNA position 2470, G replaced by A.
Protein change: p.Val824Ile; replaces valine 824 with isoleucine.
Molecular consequence: missense variant.
Genome position (GRCh38, 1-based): chr10:20,812,817, C>T on the plus strand (G>A on the coding strand, the complement: NEBL is on the minus strand). VCF-style: chr10-20812817-C-T. GRCh37 (hg19) VCF-style: chr10-21101746-C-T.
Other names: c.481G>A, p.Val161Ile (NM_001173484.2, NM_001377322.1, NM_213569.2); c.433G>A, p.Val145Ile (NM_001377323.1); c.424G>A, p.Val142Ile (NM_001377324.1); c.415G>A, p.Val139Ile (NM_001377325.1); c.373G>A, p.Val125Ile (NM_001377326.1, NM_001377327.1, NM_001377328.1); short protein forms V125I, V139I, V142I, V145I, V161I, V824I.
Identifiers: ClinVar variation 4860795 (VCV004860795.1).